The following is an entry in ClinVar:

NM_001267550.2(TTN):c.20449del (p.Ser6817fs)

Gene: TTN (titin; minus strand). Cytogenetic location: 2q31.2.
Variant type: Deletion.
Coding change: c.20449del on transcript NM_001267550.2 (MANE Select); coding-DNA position 20449, one base deleted (A; older notation c.20449delA).
Protein change: p.Ser6817fs; shifts the reading frame from serine 6817.
Molecular consequence: frameshift variant. On other transcripts: intron variant (3).
Genome position (GRCh38, 1-based): chr2:178,725,873, T deleted on the plus strand (A on the coding strand, the reverse complement: TTN is on the minus strand); the first of 2 consecutive T bases (chr2:178,725,873-178,725,874); deleting either gives the same sequence. VCF-style (leftmost placement, unchanged base first): chr2-178725872-CT-C. GRCh37 (hg19) VCF-style: chr2-179590599-CT-C.
Other names: c.16717del, p.Ser5573fs (NM_133378.4); c.13282+12209del (NM_003319.4); c.13858+12209del (NM_133437.4); c.13657+12209del (NM_133432.3); c.19498del, p.Ser6500fs (NM_001256850.1); c.20449delA (NM_001267550.2); short protein forms S5573fs, S6500fs, S6817fs.
Identifiers: ClinVar variation 973881 (VCV000973881.1), dbSNP rs2079254006, ClinGen allele CA1139657519.

ClinVar aggregate classification (germline): Likely pathogenic (1 of 4 stars; one submission).

Conditions:
Autosomal recessive limb-girdle muscular dystrophy type 2J (LGMDR10). Also called: Limb-girdle muscular dystrophy, type 2J; MUSCULAR DYSTROPHY, LIMB-GIRDLE, AUTOSOMAL RECESSIVE 10. Identifiers: Orphanet 140922, MedGen C1837342, MONDO:0012127, OMIM 608807.

Submission:

Johns Hopkins Genomics, Johns Hopkins University
Classification: Likely pathogenic for Autosomal recessive limb-girdle muscular dystrophy type 2J. Last evaluated: 2020-02-18. Review status: criteria provided, single submitter. Criteria: ACMG Guidelines, 2015. Collection method: clinical testing. Allele origin: germline.
Comment: c.20449delA (p.Ser6817fs) has not been reported in ClinVar nor the literature, to our knowledge. This variant is absent from large population datasets. This frameshift variant results in a premature stop codon in exon 70 of 363 likely leading to nonsense-mediated mRNA decay and lack of protein production. Variants that impact both the N2BA and N2B cardiac isoforms of TTN have been reported to increase the risk of cardiac disease in patients with congenital titinopathy. This frameshift variant is not predicted to affect N2B, which is the predominant adult cardiac isoform of TTN. We consider this variant to be likely pathogenic.

Literature cited by the submitters: PubMed 17444505; PubMed 24105469; PubMed 24980681; PubMed 27854229; PubMed 29691892.